The following is an entry in ClinVar:

NM_000255.4(MMUT):c.1230CAT[1] (p.Ile412del)

Gene: MMUT (methylmalonyl-CoA mutase; minus strand). Cytogenetic location: 6p12.3.
Variant type: Microsatellite.
Coding change: c.1230CAT[1] on transcript NM_000255.4 (MANE Select); one copy of the 3-base unit CAT starting at c.1230; the reference has two copies in a row; one copy, 3 bases deleted; also written c.1233_1235del.
Protein change: p.Ile412del; deletes isoleucine 412.
Molecular consequence: inframe deletion.
Genome position (GRCh38, 1-based): chr6:49,451,563-49,451,565, ATG deleted on the plus strand (CAT on the coding strand, the reverse complement: MMUT is on the minus strand); deleting any 3 consecutive bases within chr6:49,451,563-49,451,570 gives the same sequence; the position shown is the placement nearest the transcript's 3' end. VCF-style (leftmost placement, unchanged base first): chr6-49451562-AATG-A. GRCh37 (hg19) VCF-style: chr6-49419275-AATG-A.
Other names: c.1233_1235delCAT (NM_000255.4); c.1233_1235del (NM_000255.4); short protein forms I412del.
Identifiers: ClinVar variation 978689 (VCV000978689.13), dbSNP rs1767553642, ClinGen allele CA1627389324.

ClinVar aggregate classification (germline): Pathogenic/Likely pathogenic. Review status: criteria provided, multiple submitters, no conflicts (2 of 4 stars). 5 submissions from 5 submitters: Pathogenic (1); Likely pathogenic (2). 2 of the submissions do not count toward it. Last evaluated 2026-03-01.

Conditions:
Methylmalonic aciduria due to methylmalonyl-CoA mutase deficiency (MAMM). Also called: Methylmalonic aciduria, mut type. Identifiers: Orphanet 27, MedGen C1855114, MONDO:0009612, OMIM 251000.
Methylmalonic aciduria due to complete methylmalonyl-CoA mutase deficiency.

Submissions (5):

Myriad Genetics, Inc.
Classification: Likely pathogenic for Methylmalonic aciduria due to methylmalonyl-CoA mutase deficiency. Last evaluated: 2026-03-01. Review status: criteria provided, single submitter. Criteria: Myriad Autosomal Dominant, Autosomal Recessive and X-Linked Classification Criteria (2023). Collection method: clinical testing. Allele origin: unknown.
Comment: NM_000255.3(MMUT):c.1233_1235delCAT(I412del) is an in-frame deletion classified as likely pathogenic in the context of methylmalonic acidemia, MMUT-related. I412del has been observed in cases with relevant disease (PMID: 16281286, 33413471, 24464670, 16281286). Relevant functional assessments of this variant are not available in the literature. I412del has not been observed in referenced population frequency databases. In summary, NM_000255.3(MMUT):c.1233_1235delCAT(I412del) is an in-frame deletion that has been observed more frequently in cases with the relevant disease than in healthy populations. Please note: this variant was assessed in the context of healthy population screening.

Labcorp Genetics (formerly Invitae), Labcorp
Classification: Pathogenic. Last evaluated: 2025-12-17. Review status: criteria provided, single submitter. Criteria: Invitae Variant Classification Sherloc (09022015). Collection method: clinical testing. Allele origin: germline.
Comment: This variant, c.1233_1235del, results in the deletion of 1 amino acid(s) of the MUT protein (p.Ile412del), but otherwise preserves the integrity of the reading frame. This variant is not present in population databases (gnomAD no frequency). This variant has been observed in individual(s) with methylmalonic acidemia (PMID: 16281286, 24464670, 33413471, 35361390). In at least one individual the data is consistent with being in trans (on the opposite chromosome) from a pathogenic variant. This variant is also known as p.Ile410del. For these reasons, this variant has been classified as Pathogenic.

Fulgent Genetics
Classification: Likely pathogenic for Methylmalonic aciduria due to methylmalonyl-CoA mutase deficiency. Last evaluated: 2022-02-25. Review status: criteria provided, single submitter. Criteria: ACMG Guidelines, 2015. Collection method: clinical testing. Allele origin: unknown.

Natera, Inc.
Classification: Likely pathogenic for Methylmalonic aciduria due to complete methylmalonyl-CoA mutase deficiency. Last evaluated: 2021-07-06. Review status: no assertion criteria provided. Collection method: clinical testing. Allele origin: germline. Not counted in ClinVar's aggregate classification.

Genetics and Prenatal Diagnosis Center, The First Affiliated Hospital of Zhengzhou University
Classification: Likely pathogenic for Methylmalonic aciduria due to methylmalonyl-CoA mutase deficiency. Last evaluated: 2020-01-01. Review status: no assertion criteria provided. Collection method: clinical testing. Allele origin: germline. Affected: yes. Not counted in ClinVar's aggregate classification.

Literature cited by the submitters: PubMed 16281286 (cited by Myriad Genetics, Inc. and Labcorp Genetics (formerly Invitae), Labcorp); PubMed 24464670 (cited by Myriad Genetics, Inc. and Labcorp Genetics (formerly Invitae), Labcorp); PubMed 33413471 (cited by Myriad Genetics, Inc. and Labcorp Genetics (formerly Invitae), Labcorp); PubMed 35361390 (cited by Labcorp Genetics (formerly Invitae), Labcorp).